The following is an entry in ClinVar:

ClinVar aggregate classification (germline): Uncertain significance. Review status: criteria provided, multiple submitters, no conflicts (2 of 4 stars). 2 submissions from 2 submitters: Uncertain significance (2). Last evaluated 2022-03-10.

Conditions:
GNPTG-mucolipidosis. Also called: MUCOLIPIDOSIS III, IRANIAN VARIANT FORM; MUCOLIPIDOSIS III, VARIANT FORM; ML III GAMMA; ML IIIC; Mucolipidosis type III gamma; MUCOLIPIDOSIS III, COMPLEMENTATION GROUP C. Identifiers: Orphanet 423470, Orphanet 577, MedGen C1854896, MONDO:0009652, OMIM 252605.

Allele frequency attached by ClinVar (database versions not stated): gnomAD 0.00001; TOPMed 0.00001.

Submissions (2):

Labcorp Genetics (formerly Invitae), Labcorp
Classification: Uncertain significance. Last evaluated: 2022-03-10. Review status: criteria provided, single submitter. Criteria: Invitae Variant Classification Sherloc (09022015). Collection method: clinical testing. Allele origin: germline.
Comment: This sequence change replaces leucine, which is neutral and non-polar, with histidine, which is basic and polar, at codon 8 of the GNPTG protein (p.Leu8His). This variant is not present in population databases (gnomAD no frequency). This variant has not been reported in the literature in individuals affected with GNPTG-related conditions. ClinVar contains an entry for this variant (Variation ID: 886763). Algorithms developed to predict the effect of missense changes on protein structure and function are either unavailable or do not agree on the potential impact of this missense change (SIFT: "Deleterious"; PolyPhen-2: "Not Available"; Align-GVGD: "Class C0"). In summary, the available evidence is currently insufficient to determine the role of this variant in disease. Therefore, it has been classified as a Variant of Uncertain Significance.

Illumina Laboratory Services, Illumina
Classification: Uncertain significance for GNPTG-mucolipidosis. Last evaluated: 2018-01-13. Review status: criteria provided, single submitter. Criteria: ICSL Variant Classification Criteria 13 December 2019. Collection method: clinical testing. Allele origin: germline.

NM_032520.5(GNPTG):c.23T>A (p.Leu8His)

Genes: GNPTG (N-acetylglucosamine-1-phosphate transferase subunit gamma; plus strand), LOC130058158 (ATAC-STARR-seq lymphoblastoid silent region 6972; plus strand). Cytogenetic location: 16p13.3.
Variant type: single nucleotide variant.
Coding change: c.23T>A on transcript NM_032520.5 (MANE Select); coding-DNA position 23, T replaced by A.
Protein change: p.Leu8His; replaces leucine 8 with histidine.
Molecular consequence: missense variant.
Genome position (GRCh38, 1-based): chr16:1,351,988, T>A. VCF-style: chr16-1351988-T-A. GRCh37 (hg19) VCF-style: chr16-1401989-T-A.
Other names: short protein forms L8H.
Identifiers: ClinVar variation 886763 (VCV000886763.8), dbSNP rs928528974, ClinGen allele CA276642484.